The following is an entry in ClinVar:

NM_001267550.2(TTN):c.58850del (p.Lys19617fs)

Genes: TTN (titin; minus strand), TTN-AS1 (TTN antisense RNA 1; plus strand). Cytogenetic location: 2q31.2.
Variant type: Deletion.
Coding change: c.58850del on transcript NM_001267550.2 (MANE Select); coding-DNA position 58850, one base deleted (A; older notation c.58850delA).
Protein change: p.Lys19617fs; shifts the reading frame from lysine 19617.
Molecular consequence: frameshift variant.
Genome position (GRCh38, 1-based): chr2:178,593,358, T deleted on the plus strand (A on the coding strand, the reverse complement: TTN is on the minus strand); the first of 4 consecutive T bases (chr2:178,593,358-178,593,361); deleting any one gives the same sequence. VCF-style (leftmost placement, unchanged base first): chr2-178593357-CT-C. GRCh37 (hg19) VCF-style: chr2-179458084-CT-C.
Other names: c.53927del, p.Lys17976fs (NM_001256850.1); c.31655del, p.Lys10552fs (NM_003319.4); c.51146del, p.Lys17049fs (NM_133378.4); c.32030del, p.Lys10677fs (NM_133432.3); c.32231del, p.Lys10744fs (NM_133437.4); short protein forms K10552fs, K10744fs, K10677fs, K17049fs, K17976fs, K19617fs.
Identifiers: ClinVar variation 942097 (VCV000942097.10), dbSNP rs2050657361, ClinGen allele CA1139655678.

ClinVar aggregate classification (germline): Likely pathogenic (1 of 4 stars; one submission).

Conditions:
Dilated cardiomyopathy 1G (CMD1G). Identifiers: Orphanet 154, MedGen C1858763, MONDO:0011400, OMIM 604145.
Autosomal recessive limb-girdle muscular dystrophy type 2J (LGMDR10). Also called: Limb-girdle muscular dystrophy, type 2J; MUSCULAR DYSTROPHY, LIMB-GIRDLE, AUTOSOMAL RECESSIVE 10. Identifiers: Orphanet 140922, MedGen C1837342, MONDO:0012127, OMIM 608807.

Submission:

Labcorp Genetics (formerly Invitae), Labcorp
Classification: Likely pathogenic for Dilated cardiomyopathy 1G; Autosomal recessive limb-girdle muscular dystrophy type 2J. Last evaluated: 2019-06-04. Review status: criteria provided, single submitter. Criteria: Invitae Variant Classification Sherloc (09022015). Collection method: clinical testing. Allele origin: germline.
Comment: In summary, the currently available evidence indicates that the variant is pathogenic, but additional data are needed to prove that conclusively. Therefore, this variant has been classified as Likely Pathogenic. This variant is located in the A band of TTN (PMID: 25589632). Truncating variants in this region are significantly overrepresented in patients affected with dilated cardiomyopathy (PMID: 25589632). Truncating variants in this region have also been reported in individuals affected with autosomal recessive centronuclear myopathy (PMID: 23975875). This variant has not been reported in the literature in individuals with TTN-related conditions. This variant is not present in population databases (ExAC no frequency). This sequence change results in a premature translational stop signal in the TTN gene (p.Lys19617Argfs*29). While this is not anticipated to result in nonsense mediated decay, it is expected to create a truncated TTN protein.

Literature cited by the submitters: PubMed 25589632; PubMed 23975875.